The following is an entry in ClinVar:

ClinVar aggregate classification (germline): Uncertain significance. Review status: criteria provided, multiple submitters, no conflicts (2 of 4 stars). 4 submissions from 4 submitters: Uncertain significance (4). Last evaluated 2025-08-27.

Conditions:
Hereditary cancer-predisposing syndrome. Also called: Hereditary Cancer Syndrome; Hereditary neoplastic syndrome; Neoplastic Syndromes, Hereditary; Tumor predisposition. Identifiers: Orphanet 140162, MedGen C0027672, MeSH D009386, MONDO:0015356.
Familial cancer of breast. Also called: BREAST CANCER, FAMILIAL; Hereditary breast cancer; hereditary breast carcinoma. Identifiers: Orphanet 227535, MedGen C0346153, MONDO:0016419, OMIM 114480. Disease mechanism: loss of function.

Allele frequency attached by ClinVar (database versions not stated): gnomAD exomes below 0.00001.

Submissions (4):

Ambry Genetics
Classification: Uncertain significance for Hereditary cancer-predisposing syndrome. Last evaluated: 2025-08-27. Review status: criteria provided, single submitter. Criteria: Ambry Variant Classification Scheme 2023. Collection method: clinical testing. Allele origin: germline.

Labcorp Genetics (formerly Invitae), Labcorp
Classification: Uncertain significance for Familial cancer of breast. Last evaluated: 2024-08-19. Review status: criteria provided, single submitter. Criteria: Invitae Variant Classification Sherloc (09022015). Collection method: clinical testing. Allele origin: germline.
Comment: This sequence change replaces glycine, which is neutral and non-polar, with serine, which is neutral and polar, at codon 227 of the BARD1 protein (p.Gly227Ser). This variant is not present in population databases (gnomAD no frequency). This variant has not been reported in the literature in individuals affected with BARD1-related conditions. ClinVar contains an entry for this variant (Variation ID: 1692448). An algorithm developed to predict the effect of missense changes on protein structure and function outputs the following: PolyPhen-2: "Benign". The serine amino acid residue is found in multiple mammalian species, which suggests that this missense change does not adversely affect protein function. In summary, the available evidence is currently insufficient to determine the role of this variant in disease. Therefore, it has been classified as a Variant of Uncertain Significance.

GeneDx
Classification: Uncertain significance. Last evaluated: 2023-06-07. Review status: criteria provided, single submitter. Criteria: GeneDx Variant Classification Process June 2021. Collection method: clinical testing. Allele origin: germline. Affected: yes.
Comment: Not observed at significant frequency in large population cohorts (gnomAD); In silico analysis supports that this missense variant does not alter protein structure/function; Has not been previously published as pathogenic or benign to our knowledge

Sema4
Classification: Uncertain significance for Hereditary cancer-predisposing syndrome. Last evaluated: 2021-10-26. Review status: criteria provided, single submitter. Criteria: Sema4 Curation Guidelines. Collection method: curation. Allele origin: germline.
Comment: The BARD1 c.679G>A (p.G227S) variant has not been reported in the literature to our knowledge. It was not observed in the large and broad cohorts of the Genome Aggregation Database, nor has it been reported in ClinVar. In silico tools suggest the impact of the variant on protein function is benign, though these predictions have not been confirmed by functional studies. The evidence is insufficient to meet ACMG/AMP criteria for classifying the variant as benign or pathogenic. Thus, the clinical significance of this variant is currently uncertain.

NM_000465.4(BARD1):c.679G>A (p.Gly227Ser)

Gene: BARD1 (BRCA1 associated RING domain 1; minus strand). Cytogenetic location: 2q35.
Variant type: single nucleotide variant.
Coding change: c.679G>A on transcript NM_000465.4 (MANE Select); coding-DNA position 679, G replaced by A.
Protein change: p.Gly227Ser; replaces glycine 227 with serine.
Molecular consequence: missense variant. On other transcripts: non-coding transcript variant (2), intron variant (3).
Genome position (GRCh38, 1-based): chr2:214,781,195, C>T on the plus strand (G>A on the coding strand, the complement: BARD1 is on the minus strand). VCF-style: chr2-214781195-C-T. GRCh37 (hg19) VCF-style: chr2-215645919-C-T.
Other names: c.622G>A, p.Gly208Ser (NM_001282543.2); c.158+28217G>A (NM_001282548.2); c.215+15866G>A (NM_001282545.2); c.364+11102G>A (NM_001282549.2); short protein forms G208S, G227S.
Identifiers: ClinVar variation 1692448 (VCV001692448.11), dbSNP rs1695002987, ClinGen allele CA350456449.